The following is an entry in ClinVar:

ClinVar aggregate classification (germline): Uncertain significance (1 of 4 stars; one submission).

Submission:

GeneDx
Classification: Uncertain significance. Last evaluated: 2024-04-04. Review status: criteria provided, single submitter. Criteria: GeneDx Variant Classification Process June 2021. Collection method: clinical testing. Allele origin: germline. Affected: yes.
Comment: Has not been previously published as pathogenic or benign to our knowledge; In silico analysis indicates that this missense variant does not alter protein structure/function; Not observed at significant frequency in large population cohorts (gnomAD); This variant is associated with the following publications: (PMID: 23516486)

NM_000321.3(RB1):c.83C>A (p.Pro28His)

Gene: RB1 (RB transcriptional corepressor 1; plus strand). Cytogenetic location: 13q14.2.
Variant type: single nucleotide variant.
Coding change: c.83C>A on transcript NM_000321.3 (MANE Select); coding-DNA position 83, C replaced by A.
Protein change: p.Pro28His; replaces proline 28 with histidine.
Molecular consequence: missense variant.
Genome position (GRCh38, 1-based): chr13:48,303,995, C>A. VCF-style: chr13-48303995-C-A. GRCh37 (hg19) VCF-style: chr13-48878131-C-A.
Other names: c.83C>A, p.Pro28His (NM_001407165.1, NM_001407166.1, NM_001407167.1); short protein forms P28H.
Identifiers: ClinVar variation 3360947 (VCV003360947.1).